The following is an entry in ClinVar:

NM_000548.5(TSC2):c.3768G>T (p.Pro1256=)

Gene: TSC2 (TSC complex subunit 2; plus strand). Cytogenetic location: 16p13.3.
Variant type: single nucleotide variant.
Coding change: c.3768G>T on transcript NM_000548.5 (MANE Select); coding-DNA position 3768, G replaced by T.
Protein change: p.Pro1256=; no amino-acid change (proline 1256 retained).
Molecular consequence: synonymous variant. On other transcripts: non-coding transcript variant (5).
Genome position (GRCh38, 1-based): chr16:2,081,752, G>T. VCF-style: chr16-2081752-G-T. GRCh37 (hg19) VCF-style: chr16-2131753-G-T.
Other names: c.3636G>T, p.Pro1212= (NM_001077183.3, NM_001370404.1, NM_001406665.1); c.3768G>T, p.Pro1256= (NM_001114382.3); c.3528G>T, p.Pro1176= (NM_001318827.2); c.3492G>T, p.Pro1164= (NM_001318829.2); c.3036G>T, p.Pro1012= (NM_001318831.2, NM_001406687.1, NM_001406688.1); c.3669G>T, p.Pro1223= (NM_001318832.2); c.3639G>T, p.Pro1213= (NM_001363528.2, NM_001370405.1, NM_021055.3); c.3765G>T, p.Pro1255= (NM_001406663.1, NM_001406664.1); and 18 more.
Identifiers: ClinVar variation 4071338 (VCV004071338.1).

ClinVar aggregate classification (germline): Benign (1 of 4 stars; one submission).

Conditions:
Tuberous sclerosis 2 (TSC2). Identifiers: Orphanet 805, MedGen C1860707, MONDO:0013199, OMIM 613254.

Submission:

Myriad Genetics, Inc.
Classification: Benign for Tuberous sclerosis 2. Last evaluated: 2025-05-30. Review status: criteria provided, single submitter. Criteria: Myriad Autosomal Dominant, Autosomal Recessive and X-Linked Classification Criteria (2023). Collection method: clinical testing. Allele origin: unknown.
Comment: This variant is considered benign. This variant is a silent/synonymous amino acid change and it is not expected to impact splicing.